The following is an entry in ClinVar:

NM_003073.5(SMARCB1):c.106C>G (p.Leu36Val)

Gene: SMARCB1 (SWI/SNF related BAF chromatin remodeling complex subunit B1; plus strand). Cytogenetic location: 22q11.23.
Variant type: single nucleotide variant.
Coding change: c.106C>G on transcript NM_003073.5 (MANE Select); coding-DNA position 106, C replaced by G.
Protein change: p.Leu36Val; replaces leucine 36 with valine.
Molecular consequence: missense variant.
Genome position (GRCh38, 1-based): chr22:23,791,768, C>G. VCF-style: chr22-23791768-C-G. GRCh37 (hg19) VCF-style: chr22-24133955-C-G.
Other names: c.106C>G, p.Leu36Val (NM_001007468.3, NM_001317946.2, NM_001362877.2); short protein forms L36V.
Identifiers: ClinVar variation 4170228 (VCV004170228.1).
Genomic context (GRCh38, chr22:23,791,768, plus strand): 5'-CCTGTGGTGCTGCGACCCTTATAATGAGCCTTCTTGCTTTACTCATAGGTGGGAAACTAC[C>G]TCCGTATGTTCCGAGGTTCTCTGTACAAGAGATACCCCTCACTCTGGAGGCGACTAGCCA-3'
Protein context (NP_003064.2, residues 26-46): YMIGSEVGNY[Leu36Val]RMFRGSLYKR

ClinVar aggregate classification (germline): Uncertain significance (1 of 4 stars; one submission).

Conditions:
Hereditary cancer-predisposing syndrome. Also called: Neoplastic Syndromes, Hereditary; Tumor predisposition; Hereditary Cancer Syndrome; Hereditary neoplastic syndrome. Identifiers: Orphanet 140162, MedGen C0027672, MeSH D009386, MONDO:0015356.

Submission:

Ambry Genetics
Classification: Uncertain significance for Hereditary cancer-predisposing syndrome. Last evaluated: 2025-06-17. Review status: criteria provided, single submitter. Criteria: Ambry Variant Classification Scheme 2023. Collection method: clinical testing. Allele origin: germline.
Comment: The p.L36V variant (also known as c.106C>G), located in coding exon 2 of the SMARCB1 gene, results from a C to G substitution at nucleotide position 106. The leucine at codon 36 is replaced by valine, an amino acid with highly similar properties. This amino acid position is conserved. In addition, this alteration is predicted to be deleterious by in silico analysis. Based on the available evidence, the clinical significance of this variant remains unclear.